The following is an entry in ClinVar:

ClinVar aggregate classification (germline): Uncertain significance (1 of 4 stars; one submission).

Conditions:
Intellectual developmental disorder with autistic features and language delay, with or without seizures. Identifiers: MedGen C5394447, MONDO:0030051, OMIM 618906.

Submission:

Dasa
Classification: Uncertain significance for intellectual developmental disorder with autistic features and language delay, with or without seizures. Last evaluated: 2025-08-09. Review status: criteria provided, single submitter. Criteria: DASA Assertion Criteria. Collection method: clinical testing. Allele origin: germline.
Comment: NM_001394998.1(TANC2):c.763A>G (p.Ile255Val) is a missense variant that results in the substitution of isoleucine with valine. This variant is absent from population databases. The currently available literature and clinical evidence are not sufficient to establish a definitive association between this variant and the reported condition. Therefore, this variant is classified as a variant of uncertain significance.

NM_001394998.1(TANC2):c.763A>G (p.Ile255Val)

Gene: TANC2 (tetratricopeptide repeat, ankyrin repeat and coiled-coil containing 2; plus strand). Cytogenetic location: 17q23.3.
Variant type: single nucleotide variant.
Coding change: c.763A>G on transcript NM_001394998.1 (MANE Select); coding-DNA position 763, A replaced by G.
Protein change: p.Ile255Val; replaces isoleucine 255 with valine.
Molecular consequence: missense variant.
Genome position (GRCh38, 1-based): chr17:63,200,951, A>G. VCF-style: chr17-63200951-A-G. GRCh37 (hg19) VCF-style: chr17-61278312-A-G.
Other names: c.541A>G, p.Ile181Val (NM_001411076.1, NM_025185.4); short protein forms I181V, I255V.
Identifiers: ClinVar variation 4883310 (VCV004883310.2).
Genomic context (GRCh38, chr17:63,200,951, plus strand): 5'-GACTGCAGCTATGGGGCTGTTACTAGTCCAACCTCTACCCTTGAAAGCAGAGATAGTGGC[A>G]TCATTGGTGAGTTGGTTTTTATATTGATAATTTTGTGTCCTTTTTTTCCTTTTTAAAATA-3'
Protein context (NP_001381927.1, residues 245-265): TSTLESRDSG[Ile255Val]IATLTSYSEN